The following is an entry in ClinVar:

ClinVar aggregate classification (germline): Likely benign (1 of 4 stars; one submission).

gnomAD v4.1: 19 of 1,612,848 alleles (0.0012%); highest among the groups gnomAD compares: South Asian, 0.0022%; no homozygotes.

Submission:

CeGaT Center for Human Genetics Tuebingen
Classification: Likely benign. Last evaluated: 2024-08-01. Review status: criteria provided, single submitter. Criteria: CeGaT Center For Human Genetics Tuebingen Variant Classification Criteria Version 2. Collection method: clinical testing. Allele origin: germline. Affected: yes. Observed: 1 variant allele.
Comment: CSNK2B: BP4, BP7

NM_001320.7(CSNK2B):c.516C>T (p.Pro172=)

Gene: CSNK2B (casein kinase 2 beta; plus strand). Cytogenetic location: 6p21.33.
Variant type: single nucleotide variant.
Coding change: c.516C>T on transcript NM_001320.7 (MANE Select); coding-DNA position 516, C replaced by T.
Protein change: p.Pro172=; no amino-acid change (proline 172 retained).
Molecular consequence: synonymous variant.
Genome position (GRCh38, 1-based): chr6:31,669,467, C>T. VCF-style: chr6-31669467-C-T. GRCh37 (hg19) VCF-style: chr6-31637244-C-T.
Other names: c.507C>T, p.Pro169= (NM_001282385.2).
Identifiers: ClinVar variation 3341901 (VCV003341901.16).